The following is an entry in ClinVar:

ClinVar aggregate classification (germline): Uncertain significance (1 of 4 stars; one submission).

Submission:

GeneDx
Classification: Uncertain significance. Last evaluated: 2019-05-29. Review status: criteria provided, single submitter. Criteria: GeneDx Variant Classification Process June 2021. Collection method: clinical testing. Allele origin: germline. Affected: yes.
Comment: Not observed in large population cohorts (Lek et al., 2016); In silico analysis, which includes protein predictors and evolutionary conservation, supports that this variant does not alter protein structure/function. However, in silico splice predictors suggest this variant may impact gene splicing. In the absence of RNA/functional studies, the actual effect of this sequence change is unknown; Has not been previously published as pathogenic or benign to our knowledge

NM_004958.4(MTOR):c.3653A>G (p.Lys1218Arg)

Gene: MTOR (mechanistic target of rapamycin kinase; minus strand). Cytogenetic location: 1p36.22.
Variant type: single nucleotide variant.
Coding change: c.3653A>G on transcript NM_004958.4 (MANE Select); coding-DNA position 3653, A replaced by G.
Protein change: p.Lys1218Arg; replaces lysine 1218 with arginine.
Molecular consequence: missense variant.
Genome position (GRCh38, 1-based): chr1:11,210,815, T>C on the plus strand (A>G on the coding strand, the complement: MTOR is on the minus strand). VCF-style: chr1-11210815-T-C. GRCh37 (hg19) VCF-style: chr1-11270872-T-C.
Other names: c.3653A>G, p.Lys1218Arg (NM_001386500.1); c.2405A>G, p.Lys802Arg (NM_001386501.1); short protein forms K1218R, K802R.
Identifiers: ClinVar variation 1302311 (VCV001302311.2), dbSNP rs2100786964, ClinGen allele CA338371964.